The following is an entry in ClinVar:

NM_000430.4(PAFAH1B1):c.773T>A (p.Val258Glu)

Gene: PAFAH1B1 (platelet activating factor acetylhydrolase 1b regulatory subunit 1; plus strand). Cytogenetic location: 17p13.3.
Variant type: single nucleotide variant.
Coding change: c.773T>A on transcript NM_000430.4 (MANE Select); coding-DNA position 773, T replaced by A.
Protein change: p.Val258Glu; replaces valine 258 with glutamic acid.
Molecular consequence: missense variant.
Genome position (GRCh38, 1-based): chr17:2,674,161, T>A. VCF-style: chr17-2674161-T-A. GRCh37 (hg19) VCF-style: chr17-2577455-T-A.
Other names: short protein forms V258E.
Identifiers: ClinVar variation 3383452 (VCV003383452.1).
Genomic context (GRCh38, chr17:2,674,161, plus strand): 5'-GTATGGTACGGCCAAATCAAGATGGCACTCTGATAGCCAGCTGTTCCAATGACCAGACTG[T>A]GCGTGTATGGGTCGTAGCAACAAAGGAATGCAAGGCTGAGCTCCGAGAGCATGAGCATGT-3'
Protein context (NP_000421.1, residues 248-268): LIASCSNDQT[Val258Glu]RVWVVATKEC

ClinVar aggregate classification (germline): Likely pathogenic (1 of 4 stars; one submission).

Submission:

GeneDx
Classification: Likely pathogenic. Last evaluated: 2024-05-28. Review status: criteria provided, single submitter. Criteria: GeneDx Variant Classification Process June 2021. Collection method: clinical testing. Allele origin: germline. Affected: yes.
Comment: Not observed at significant frequency in large population cohorts (gnomAD); In silico analysis supports that this missense variant has a deleterious effect on protein structure/function; This variant is associated with the following publications: (PMID: 35982159, 31785789, 28135719, 33057194)